The following is an entry in ClinVar:

NM_004360.5(CDH1):c.556G>A (p.Gly186Ser)

Gene: CDH1 (cadherin 1; plus strand). Cytogenetic location: 16q22.1.
Variant type: single nucleotide variant.
Coding change: c.556G>A on transcript NM_004360.5 (MANE Select); coding-DNA position 556, G replaced by A.
Protein change: p.Gly186Ser; replaces glycine 186 with serine.
Molecular consequence: missense variant. On other transcripts: 5 prime UTR variant (2).
Genome position (GRCh38, 1-based): chr16:68,808,717, G>A. VCF-style: chr16-68808717-G-A. GRCh37 (hg19) VCF-style: chr16-68842620-G-A.
Other names: p.Gly186Ser; c.556G>A, p.Gly186Ser (NM_001317184.2); c.-1060G>A (NM_001317185.2); c.-1264G>A (NM_001317186.2); short protein forms G186S.
Identifiers: ClinVar variation 1748360 (VCV001748360.5), dbSNP rs2152130087, ClinGen allele CA396457892.

ClinVar aggregate classification (germline): Conflicting classifications of pathogenicity. Review status: criteria provided, conflicting classifications (1 of 4 stars). 3 submissions from 3 submitters: Uncertain significance (2); Likely benign (1). Last evaluated 2026-06-22.

Conditions:
Hereditary cancer-predisposing syndrome. Also called: Hereditary Cancer Syndrome; Hereditary neoplastic syndrome; Neoplastic Syndromes, Hereditary; Tumor predisposition. Identifiers: Orphanet 140162, MedGen C0027672, MeSH D009386, MONDO:0015356.
Hereditary diffuse gastric adenocarcinoma (HDGC). Also called: DIFFUSE GASTRIC AND LOBULAR BREAST CANCER SYNDROME. Identifiers: Orphanet 26106, MedGen C1708349, MONDO:0007648, OMIM 137215.

Submissions (3):

Ambry Genetics
Classification: Likely benign for Hereditary cancer-predisposing syndrome. Last evaluated: 2026-06-22. Review status: criteria provided, single submitter. Criteria: Ambry Variant Classification Scheme 2023. Collection method: clinical testing. Allele origin: germline.

Labcorp Genetics (formerly Invitae), Labcorp
Classification: Uncertain significance for Hereditary diffuse gastric adenocarcinoma. Last evaluated: 2026-01-28. Review status: criteria provided, single submitter. Criteria: Invitae Variant Classification Sherloc (09022015). Collection method: clinical testing. Allele origin: germline.
Comment: This sequence change replaces glycine, which is neutral and non-polar, with serine, which is neutral and polar, at codon 186 of the CDH1 protein (p.Gly186Ser). This variant is not present in population databases (gnomAD no frequency). This variant has not been reported in the literature in individuals affected with CDH1-related conditions. ClinVar contains an entry for this variant (Variation ID: 1748360). An algorithm developed to predict the effect of missense changes on protein structure and function (PolyPhen-2) suggests that this variant is likely to be tolerated. In summary, the available evidence is currently insufficient to determine the role of this variant in disease. Therefore, it has been classified as a Variant of Uncertain Significance.

Mayo Clinic Laboratories, Mayo Clinic
Classification: Uncertain significance. Last evaluated: 2024-08-27. Review status: criteria provided, single submitter. Criteria: ACMG Guidelines, 2015. Collection method: clinical testing. Allele origin: germline. Observed: 1 variant allele.
Comment: PM2